The following is an entry in ClinVar:

ClinVar aggregate classification (germline): Uncertain significance. Review status: criteria provided, multiple submitters, no conflicts (2 of 4 stars). 2 submissions from 2 submitters: Uncertain significance (2). Last evaluated 2026-01-19.

gnomAD v4.1: 1 of 1,613,870 alleles (0.000062%); highest among the groups gnomAD compares: South Asian, 0.0011%; no homozygotes.

Submissions (2):

Labcorp Genetics (formerly Invitae), Labcorp
Classification: Uncertain significance. Last evaluated: 2026-01-19. Review status: criteria provided, single submitter. Criteria: Invitae Variant Classification Sherloc (09022015). Collection method: clinical testing. Allele origin: germline.
Comment: This sequence change replaces isoleucine, which is neutral and non-polar, with threonine, which is neutral and polar, at codon 293 of the FBXW11 protein (p.Ile293Thr). This variant is not present in population databases (gnomAD no frequency). This variant has not been reported in the literature in individuals affected with FBXW11-related conditions. An algorithm developed to predict the effect of missense changes on protein structure and function (PolyPhen-2) suggests that this variant is likely to be disruptive. In summary, the available evidence is currently insufficient to determine the role of this variant in disease. Therefore, it has been classified as a Variant of Uncertain Significance.

Blueprint Genetics
Classification: Uncertain significance. Last evaluated: 2023-10-23. Review status: criteria provided, single submitter. Criteria: ACMG Guidelines, 2015. Collection method: clinical testing. Allele origin: germline.

NM_001378974.1(FBXW11):c.941T>C (p.Ile314Thr)

Gene: FBXW11 (F-box and WD repeat domain containing 11; minus strand). Cytogenetic location: 5q35.1.
Variant type: single nucleotide variant.
Coding change: c.941T>C on transcript NM_001378974.1 (MANE Select); coding-DNA position 941, T replaced by C.
Protein change: p.Ile314Thr; replaces isoleucine 314 with threonine.
Molecular consequence: missense variant.
Genome position (GRCh38, 1-based): chr5:171,878,041, A>G on the plus strand (T>C on the coding strand, the complement: FBXW11 is on the minus strand). VCF-style: chr5-171878041-A-G. GRCh37 (hg19) VCF-style: chr5-171305045-A-G.
Other names: c.872T>C, p.Ile291Thr (NM_001378975.1); c.845T>C, p.Ile282Thr (NM_001378976.1); c.782T>C, p.Ile261Thr (NM_001378977.1, NM_001378978.1, NM_001378979.1); c.776T>C, p.Ile259Thr (NM_001378980.1, NM_033645.3); c.878T>C, p.Ile293Thr (NM_012300.3); c.839T>C, p.Ile280Thr (NM_033644.3); short protein forms I280T, I314T, I282T, I293T, I259T, I261T, I291T.
Identifiers: ClinVar variation 4735677 (VCV004735677.2).